The following is an entry in ClinVar:

NM_005251.3(FOXC2):c.256C>T (p.Gln86Ter)

Genes: FOXC2 (forkhead box C2; plus strand), FOXC2-AS1 (FOXC2 antisense RNA 1; minus strand). Cytogenetic location: 16q24.1.
Variant type: single nucleotide variant.
Coding change: c.256C>T on transcript NM_005251.3 (MANE Select); coding-DNA position 256, C replaced by T.
Protein change: p.Gln86Ter; replaces glutamine 86 with a stop codon.
Molecular consequence: nonsense.
Genome position (GRCh38, 1-based): chr16:86,567,591, C>T. VCF-style: chr16-86567591-C-T. GRCh37 (hg19) VCF-style: chr16-86601197-C-T.
Other names: short protein forms Q86*.
Identifiers: ClinVar variation 4982378 (VCV004982378.1).
Genomic context (GRCh38, chr16:86,567,591, plus strand): 5'-GCGCCTAAGGACCTGGTGAAGCCGCCCTACAGCTACATCGCGCTCATCACCATGGCCATC[C>T]AGAACGCGCCCGAGAAGAAGATCACCTTGAACGGCATCTACCAGTTCATCATGGACCGCT-3'

ClinVar aggregate classification (germline): Pathogenic (1 of 4 stars; one submission).

Conditions:
FOXC2-related disorder. Also called: FOXC2-related condition.

Submission:

PreventionGenetics, part of Exact Sciences
Classification: Pathogenic for FOXC2-related condition. Last evaluated: 2025-11-12. Review status: criteria provided, single submitter. Criteria: ACMG Guidelines, 2015. Collection method: clinical testing. Allele origin: germline.
Comment: The FOXC2 c.256C>T variant is predicted to result in premature protein termination (p.Gln86*). This variant was reported in a family with lymphedema (Family B, reported as 252C>T, Finegold et al. 2001. PubMed ID: 11371511). This variant has not been reported in a large population database (gnomAD), indicating it is rare. Nonsense variants in FOXC2 are expected to be pathogenic. This variant is interpreted as pathogenic.